The following is an entry in ClinVar:

NM_000264.5(PTCH1):c.1729-5C>A

Genes: PTCH1 (patched 1; minus strand), LOC100507346 (uncharacterized LOC100507346; plus strand). Cytogenetic location: 9q22.32.
Variant type: single nucleotide variant.
Coding change: c.1729-5C>A on transcript NM_000264.5 (MANE Select); 5 bases into the intron before coding-DNA position 1729, C replaced by A.
Molecular consequence: intron variant. On other transcripts: non-coding transcript variant (1).
Genome position (GRCh38, 1-based): chr9:95,469,936, G>T on the plus strand (C>A on the coding strand, the complement: PTCH1 is on the minus strand). VCF-style: chr9-95469936-G-T. GRCh37 (hg19) VCF-style: chr9-98232218-G-T.
Other names: c.1726-5C>A (NM_001083603.3); c.1531-5C>A (NM_001083602.3); c.1573-5C>A (NM_001354918.2); c.1276-5C>A (NM_001083605.3, NM_001083604.3, NM_001083606.3 and 1 more transcripts).
Identifiers: ClinVar variation 3784608 (VCV003784608.1).

ClinVar aggregate classification (germline): Uncertain significance (1 of 4 stars; one submission).

Conditions:
Hereditary cancer-predisposing syndrome. Also called: Neoplastic Syndromes, Hereditary; Hereditary Cancer Syndrome; Tumor predisposition; Hereditary neoplastic syndrome. Identifiers: Orphanet 140162, MedGen C0027672, MeSH D009386, MONDO:0015356.

Submission:

Ambry Genetics
Classification: Uncertain significance for Hereditary cancer-predisposing syndrome. Last evaluated: 2025-01-13. Review status: criteria provided, single submitter. Criteria: Ambry Variant Classification Scheme 2023. Collection method: clinical testing. Allele origin: germline.
Comment: The c.1729-5C>A intronic variant results from a C to A substitution 5 nucleotides upstream from coding exon 13 in the PTCH1 gene. This nucleotide position is not well conserved in available vertebrate species. In silico splice site analysis predicts that this alteration will not have any significant effect on splicing, however direct evidence is insufficient (Ambry internal data). Based on the available evidence, the clinical significance of this variant remains unclear.